The following is an entry in ClinVar:

ClinVar aggregate classification (germline): Pathogenic/Likely pathogenic. Review status: criteria provided, multiple submitters, no conflicts (2 of 4 stars). 3 submissions from 3 submitters: Pathogenic (1); Likely pathogenic (2). Last evaluated 2025-12-18.

Conditions:
TP63-related disorder. Also called: TP63-Related Disorders; TP63-related condition. Identifiers: MedGen CN380159.

Submissions (3):

GeneDx
Classification: Pathogenic. Last evaluated: 2025-12-18. Review status: criteria provided, single submitter. Criteria: GeneDx Variant Classification Process June 2021. Collection method: clinical testing. Allele origin: germline. Affected: yes.
Comment: Nonsense variant predicted to result in protein truncation or nonsense mediated decay in a gene for which loss of function is a known mechanism of disease; Not observed at significant frequency in large population cohorts (gnomAD); Has not been previously published as pathogenic or benign to our knowledge; Also known as p.R298

Greenwood Genetic Center Diagnostic Laboratories, Greenwood Genetic Center
Classification: Likely pathogenic for TP63-related disorder. Last evaluated: 2024-07-03. Review status: criteria provided, single submitter. Criteria: ACMG Guidelines, 2015. Collection method: clinical testing. Allele origin: germline. Affected: yes.
Comment: PVS1, PM2

Blueprint Genetics
Classification: Likely pathogenic for TP63-related disorders. Last evaluated: 2022-02-04. Review status: criteria provided, single submitter. Criteria: ACMG Guidelines, 2015. Collection method: clinical testing. Allele origin: germline. Affected: yes. Observed: 2 variant alleles.

NM_003722.5(TP63):c.1009C>T (p.Arg337Ter)

Gene: TP63 (tumor protein p63; plus strand). Cytogenetic location: 3q28.
Variant type: single nucleotide variant.
Coding change: c.1009C>T on transcript NM_003722.5 (MANE Select); coding-DNA position 1009, C replaced by T.
Protein change: p.Arg337Ter; replaces arginine 337 with a stop codon.
Molecular consequence: nonsense.
Genome position (GRCh38, 1-based): chr3:189,868,596, C>T. VCF-style: chr3-189868596-C-T. GRCh37 (hg19) VCF-style: chr3-189586385-C-T.
Other names: c.1009C>T, p.Arg337Ter (NM_001114978.2, NM_001114979.2, NM_001329144.2 and 1 more transcripts); c.727C>T, p.Arg243Ter (NM_001114981.2, NM_001114982.2, NM_001329145.2 and 2 more transcripts); c.472C>T, p.Arg158Ter (NM_001329146.2, NM_001329150.2); c.1003C>T, p.Arg335Ter (NM_001329964.2); short protein forms R158*, R243*, R335*, R337*.
Identifiers: ClinVar variation 2429656 (VCV002429656.4), dbSNP rs113993966, ClinGen allele CA355755123.